The following is an entry in ClinVar:

ClinVar aggregate classification (germline): Conflicting classifications of pathogenicity. Review status: criteria provided, conflicting classifications (1 of 4 stars). 10 submissions from 10 submitters: Uncertain significance (4); Likely benign (5). 1 of the submissions does not count toward it. Last evaluated 2026-01-28.

Conditions:
CEBPA-related disorder. Also called: CEBPA-related condition.
Inborn genetic diseases. Identifiers: MedGen C0950123, MeSH D030342.
Hereditary cancer-predisposing syndrome. Also called: Tumor predisposition; Hereditary Cancer Syndrome; Neoplastic Syndromes, Hereditary; Hereditary neoplastic syndrome. Identifiers: Orphanet 140162, MedGen C0027672, MeSH D009386, MONDO:0015356.
Acute myeloid leukemia (AML). Also called: Acute myeloid leukemia, adult; AML adult; Acute non-lymphocytic leukemia; Acute granulocytic leukemia; Leukemia, acute myelogenous, somatic; Leukemia, acute myeloid, somatic. Identifiers: Orphanet 519, MedGen C0023467, MeSH D015470, MONDO:0018874, OMIM 601626, HP:0004808. Disease mechanism: Constitutively activated FLT3.

Allele frequency attached by ClinVar (database versions not stated): gnomAD exomes 0.00005; 1000 Genomes Project 0.00040; gnomAD 0.00043 and 0.00046; TOPMed 0.00108; 1000 Genomes Project 30x 0.00109.
gnomAD v4.1: 125 of 1,164,982 alleles (0.011%); highest among the groups gnomAD compares: Admixed American, 0.51%; no homozygotes.

Submissions (10):

Labcorp Genetics (formerly Invitae), Labcorp
Classification: Likely benign for Acute myeloid leukemia. Last evaluated: 2026-01-28. Review status: criteria provided, single submitter. Criteria: Invitae Variant Classification Sherloc (09022015). Collection method: clinical testing. Allele origin: germline.

Ambry Genetics
Classification: Likely benign for Inborn genetic diseases. Last evaluated: 2024-12-12. Review status: criteria provided, single submitter. Criteria: Ambry Variant Classification Scheme 2023. Collection method: clinical testing. Allele origin: germline.

Blueprint Genetics
Classification: Uncertain significance. Last evaluated: 2024-11-06. Review status: criteria provided, single submitter. Criteria: ACMG Guidelines, 2015. Collection method: clinical testing. Allele origin: germline.

ARUP Laboratories, Molecular Genetics and Genomics, ARUP Laboratories
Classification: Likely benign. Last evaluated: 2023-12-07. Review status: criteria provided, single submitter. Criteria: ARUP Molecular Germline Variant Investigation Process 2024. Collection method: clinical testing. Allele origin: germline.

Sema4
Classification: Uncertain significance for Hereditary cancer-predisposing syndrome. Last evaluated: 2021-12-18. Review status: criteria provided, single submitter. Criteria: Sema4 Curation Guidelines. Collection method: curation. Allele origin: germline.
Comment: To the best of our knowledge, the CEBPA c.667G>A (p.G223S) variant has not been reported in individuals with CEBPA-related disease. This variant was observed in 6/27566 chromosomes in the large and broad cohorts of the Genome Aggregation Database (PMID: 32461654). This variant has been reported in in ClinVar (Variation ID 239926). Functional studies have not been performed, and in silico predictions of the variant's effect on protein function are inconclusive. The evidence is insufficient to meet ACMG/AMP criteria for classifying the variant as benign or pathogenic. Thus, the clinical significance of this variant is currently uncertain.

Genetic Services Laboratory, University of Chicago
Classification: Likely benign. Last evaluated: 2021-12-02. Review status: criteria provided, single submitter. Criteria: ACMG Guidelines, 2015. Collection method: clinical testing. Allele origin: germline. Affected: no.

St. Jude Molecular Pathology, St. Jude Children's Research Hospital
Classification: Likely benign for Acute myeloid leukemia. Last evaluated: 2020-09-10. Review status: criteria provided, single submitter. Criteria: St. Jude Assertion Criteria 2020. Collection method: clinical testing. Allele origin: germline.
Comment: The c.667G>A (p.Gly223Ser) missense variant has a frequency of 0.0004189 (58 of 138,460 alleles) in gnomAD v3 with a maximal allele frequency of 0.004221 (56 of 13,266) in the Latino subpopulation. This exceeds the prevalence of a pathogenic variant causing CEBPA-associated familial acute myeloid leukemia (BS1, PMID: 20963938). Five of six in silico tools predict a benign effect of this variant on protein function (BP4). To our knowledge, this variant has not been reported in cases of familial acute myeloid leukemia (internal data and literature review). In summary, this variant meets criteria to be classified as likely benign based on the ACMG/AMP criteria: BS1, BP4.

Fulgent Genetics
Classification: Uncertain significance for Acute myeloid leukemia. Last evaluated: 2018-10-31. Review status: criteria provided, single submitter. Criteria: ACMG Guidelines, 2015. Collection method: clinical testing. Allele origin: unknown.

Genomic Diagnostics Laboratory, National Institute of Medical Genomics
Classification: Uncertain significance for Acute myeloid leukemia. Review status: criteria provided, single submitter. Criteria: AMP Guidelines, 2017. Collection method: clinical testing. Allele origin: somatic. Affected: yes.
Comment: The variant was detected in bone marrow from patients, but it was not confirmed in the matched

PreventionGenetics, part of Exact Sciences
Classification: Likely benign for CEBPA-related condition. Last evaluated: 2020-12-18. Review status: no assertion criteria provided. Collection method: clinical testing. Allele origin: germline. Not counted in ClinVar's aggregate classification.
Comment: This variant is classified as likely benign based on ACMG/AMP sequence variant interpretation guidelines (Richards et al. 2015 PMID: 25741868, with internal and published modifications).

NM_004364.5(CEBPA):c.667G>A (p.Gly223Ser)

Gene: CEBPA (CCAAT enhancer binding protein alpha; minus strand). Cytogenetic location: 19q13.11.
Variant type: single nucleotide variant.
Coding change: c.667G>A on transcript NM_004364.5 (MANE Select); coding-DNA position 667, G replaced by A.
Protein change: p.Gly223Ser; replaces glycine 223 with serine.
Molecular consequence: missense variant.
Genome position (GRCh38, 1-based): chr19:33,301,748, C>T on the plus strand (G>A on the coding strand, the complement: CEBPA is on the minus strand). VCF-style: chr19-33301748-C-T. GRCh37 (hg19) VCF-style: chr19-33792654-C-T.
Other names: c.310G>A, p.Gly104Ser (NM_001285829.2); c.772G>A, p.Gly258Ser (NM_001287424.2); c.625G>A, p.Gly209Ser (NM_001287435.2); short protein forms G223S, G258S, G104S, G209S.
Identifiers: ClinVar variation 239926 (VCV000239926.48), dbSNP rs535980233, ClinGen allele CA10583798.